The following is an entry in ClinVar:

ClinVar aggregate classification (germline): Uncertain significance (1 of 4 stars; one submission).

Conditions:
Renal cell carcinoma. Identifiers: Orphanet 217071, MedGen C0007134, MeSH D002292, MONDO:0005086, HP:0005584.

Submission:

Labcorp Genetics (formerly Invitae), Labcorp
Classification: Uncertain significance for Renal cell carcinoma. Last evaluated: 2021-12-16. Review status: criteria provided, single submitter. Criteria: Invitae Variant Classification Sherloc (09022015). Collection method: clinical testing. Allele origin: germline.
Comment: This variant is not present in population databases (gnomAD no frequency). In summary, the available evidence is currently insufficient to determine the role of this variant in disease. Therefore, it has been classified as a Variant of Uncertain Significance. Algorithms developed to predict the effect of missense changes on protein structure and function output the following: SIFT: "Tolerated"; PolyPhen-2: "Benign"; Align-GVGD: "Class C0". The aspartic acid amino acid residue is found in multiple mammalian species, which suggests that this missense change does not adversely affect protein function. This variant has not been reported in the literature in individuals affected with MET-related conditions. This sequence change replaces glutamic acid, which is acidic and polar, with aspartic acid, which is acidic and polar, at codon 608 of the MET protein (p.Glu608Asp).

NM_000245.4(MET):c.1824G>C (p.Glu608Asp)

Gene: MET (MET proto-oncogene, receptor tyrosine kinase; plus strand). Cytogenetic location: 7q31.2.
Variant type: single nucleotide variant.
Coding change: c.1824G>C on transcript NM_000245.4 (MANE Select); coding-DNA position 1824, G replaced by C.
Protein change: p.Glu608Asp; replaces glutamic acid 608 with aspartic acid.
Molecular consequence: missense variant.
Genome position (GRCh38, 1-based): chr7:116,755,477, G>C. VCF-style: chr7-116755477-G-C. GRCh37 (hg19) VCF-style: chr7-116395531-G-C.
Other names: c.1824G>C, p.Glu608Asp (NM_001127500.3, NM_001324401.3); c.534G>C, p.Glu178Asp (NM_001324402.2); short protein forms E608D, E178D.
Identifiers: ClinVar variation 1952000 (VCV001952000.5), dbSNP rs2116910513, ClinGen allele CA368978140.
Genomic context (GRCh38, chr7:116,755,477, plus strand): 5'-TGGATTTCGGAGGAATAATAAATTTGATTTAAAGAAAACTAGAGTTCTCCTTGGAAATGA[G>C]AGCTGCACCTTGACTTTAAGTGAGAGCACGATGAATACGTAAGGATCTTAAAATGCTTTG-3'
Protein context (NP_000236.2, residues 598-618): LKKTRVLLGN[Glu608Asp]SCTLTLSEST